The following is an entry in ClinVar:

NM_002972.4(SBF1):c.1454C>T (p.Ala485Val)

Gene: SBF1 (SET binding factor 1; minus strand). Cytogenetic location: 22q13.33.
Variant type: single nucleotide variant.
Coding change: c.1454C>T on transcript NM_002972.4 (MANE Select); coding-DNA position 1454, C replaced by T.
Protein change: p.Ala485Val; replaces alanine 485 with valine.
Molecular consequence: missense variant.
Genome position (GRCh38, 1-based): chr22:50,464,716, G>A on the plus strand (C>T on the coding strand, the complement: SBF1 is on the minus strand). VCF-style: chr22-50464716-G-A. GRCh37 (hg19) VCF-style: chr22-50903145-G-A.
Other names: c.1454C>T (NM_002972.2); c.1457C>T, p.Ala486Val (NM_001365819.1); short protein forms A485V, A486V.
Identifiers: ClinVar variation 1365237 (VCV001365237.6), dbSNP rs746443184, ClinGen allele CA10317641.
Genomic context (GRCh38, chr22:50,464,716, plus strand): 5'-AAGGGTCGGGGCACCCGTCGCAGGTGGCTGCTCTCACCGGGCCTCTGTACCTTGTGCATC[G>A]CCACGGCTGGGTACGGGTTCTCCTGTGGGGAGACGGCAGGTGTGGGGCAGGGGCCCAGGG-3'
Protein context (NP_002963.2, residues 475-495): YKNENPYPAV[Ala485Val]MHKVQRPGES

ClinVar aggregate classification (germline): Uncertain significance. Review status: criteria provided, multiple submitters, no conflicts (2 of 4 stars). 3 submissions from 3 submitters: Uncertain significance (3). Last evaluated 2025-07-11.

Allele frequency attached by ClinVar (database versions not stated): ExAC 0.00004; gnomAD 0.00006 and 0.00007; TOPMed 0.00009; gnomAD exomes 0.00006.
gnomAD v4.1: 99 of 1,606,712 alleles (0.0062%); highest among the groups gnomAD compares: Middle Eastern, 0.049%; no homozygotes.

Submissions (3):

GeneDx
Classification: Uncertain significance. Last evaluated: 2025-07-11. Review status: criteria provided, single submitter. Criteria: GeneDx Variant Classification Process June 2021. Collection method: clinical testing. Allele origin: germline. Affected: yes.
Comment: In silico analysis suggests that this missense variant does not alter protein structure/function; Has not been previously published as pathogenic or benign to our knowledge

Ambry Genetics
Classification: Uncertain significance. Last evaluated: 2024-07-30. Review status: criteria provided, single submitter. Criteria: Ambry Variant Classification Scheme 2023. Collection method: clinical testing. Allele origin: germline.

Labcorp Genetics (formerly Invitae), Labcorp
Classification: Uncertain significance. Last evaluated: 2022-10-13. Review status: criteria provided, single submitter. Criteria: Invitae Variant Classification Sherloc (09022015). Collection method: clinical testing. Allele origin: germline.
Comment: This sequence change replaces alanine, which is neutral and non-polar, with valine, which is neutral and non-polar, at codon 485 of the SBF1 protein (p.Ala485Val). This variant is present in population databases (rs746443184, gnomAD 0.03%). This variant has not been reported in the literature in individuals affected with SBF1-related conditions. ClinVar contains an entry for this variant (Variation ID: 1365237). Advanced modeling of protein sequence and biophysical properties (such as structural, functional, and spatial information, amino acid conservation, physicochemical variation, residue mobility, and thermodynamic stability) performed at Invitae indicates that this missense variant is not expected to disrupt SBF1 protein function. In summary, the available evidence is currently insufficient to determine the role of this variant in disease. Therefore, it has been classified as a Variant of Uncertain Significance.